The following is an entry in ClinVar:

ClinVar aggregate classification (germline): Uncertain significance (1 of 4 stars; one submission).

Allele frequency attached by ClinVar (database versions not stated): gnomAD 0.00001; gnomAD exomes 0.00001; TOPMed 0.00002; ExAC 0.00003; ESP Exome Variant Server 0.00008.
gnomAD v4.1: 21 of 1,606,512 alleles (0.0013%); highest among the groups gnomAD compares: South Asian, 0.0044%; no homozygotes.

Submission:

Labcorp Genetics (formerly Invitae), Labcorp
Classification: Uncertain significance. Last evaluated: 2022-09-01. Review status: criteria provided, single submitter. Criteria: Invitae Variant Classification Sherloc (09022015). Collection method: clinical testing. Allele origin: germline.
Comment: This sequence change replaces isoleucine, which is neutral and non-polar, with phenylalanine, which is neutral and non-polar, at codon 157 of the OSTM1 protein (p.Ile157Phe). This variant is present in population databases (rs140921707, gnomAD 0.006%). This variant has not been reported in the literature in individuals affected with OSTM1-related conditions. Algorithms developed to predict the effect of missense changes on protein structure and function are either unavailable or do not agree on the potential impact of this missense change (SIFT: "Tolerated"; PolyPhen-2: "Possibly Damaging"; Align-GVGD: "Class C0"). In summary, the available evidence is currently insufficient to determine the role of this variant in disease. Therefore, it has been classified as a Variant of Uncertain Significance.

NM_014028.4(OSTM1):c.469A>T (p.Ile157Phe)

Gene: OSTM1 (osteoclastogenesis associated transmembrane protein 1; minus strand). Cytogenetic location: 6q21.
Variant type: single nucleotide variant.
Coding change: c.469A>T on transcript NM_014028.4 (MANE Select); coding-DNA position 469, A replaced by T.
Protein change: p.Ile157Phe; replaces isoleucine 157 with phenylalanine.
Molecular consequence: missense variant.
Genome position (GRCh38, 1-based): chr6:108,064,233, T>A on the plus strand (A>T on the coding strand, the complement: OSTM1 is on the minus strand). VCF-style: chr6-108064233-T-A. GRCh37 (hg19) VCF-style: chr6-108385437-T-A.
Other names: short protein forms I157F.
Identifiers: ClinVar variation 2065079 (VCV002065079.1), dbSNP rs140921707, ClinGen allele CA3948052.
Genomic context (GRCh38, chr6:108,064,233, plus strand): 5'-AGAATTACTTACTTGCACAATTTGCCTCCTGCCATGTGGTATTAAAAAATTCTGAGAGAA[T>A]CACAACTATTTGCATTCTATCTGCCATTAAGAGACTTCTGGCACAACTCTGACTCTCTGA-3'
Protein context (NP_054747.2, residues 147-167): LMADRMQIVV[Ile157Phe]LSEFFNTTWQ